The following is an entry in ClinVar:

ClinVar aggregate classification (germline): Uncertain significance (1 of 4 stars; one submission).

Submission:

Labcorp Genetics (formerly Invitae), Labcorp
Classification: Uncertain significance. Last evaluated: 2024-02-12. Review status: criteria provided, single submitter. Criteria: Invitae Variant Classification Sherloc (09022015). Collection method: clinical testing. Allele origin: germline.
Comment: This sequence change replaces cysteine, which is neutral and slightly polar, with arginine, which is basic and polar, at codon 568 of the DUOX2 protein (p.Cys568Arg). The frequency data for this variant in the population databases is considered unreliable, as metrics indicate poor data quality at this position in the gnomAD database. This variant has not been reported in the literature in individuals affected with DUOX2-related conditions. Advanced modeling of protein sequence and biophysical properties (such as structural, functional, and spatial information, amino acid conservation, physicochemical variation, residue mobility, and thermodynamic stability) performed at Invitae indicates that this missense variant is expected to disrupt DUOX2 protein function with a positive predictive value of 80%. In summary, the available evidence is currently insufficient to determine the role of this variant in disease. Therefore, it has been classified as a Variant of Uncertain Significance.

NM_001363711.2(DUOX2):c.1702T>C (p.Cys568Arg)

Gene: DUOX2 (dual oxidase 2; minus strand). Cytogenetic location: 15q21.1.
Variant type: single nucleotide variant.
Coding change: c.1702T>C on transcript NM_001363711.2 (MANE Select); coding-DNA position 1702, T replaced by C.
Protein change: p.Cys568Arg; replaces cysteine 568 with arginine.
Molecular consequence: missense variant.
Genome position (GRCh38, 1-based): chr15:45,106,961, A>G on the plus strand (T>C on the coding strand, the complement: DUOX2 is on the minus strand). VCF-style: chr15-45106961-A-G. GRCh37 (hg19) VCF-style: chr15-45399159-A-G.
Other names: c.1702T>C, p.Cys568Arg (NM_014080.5); short protein forms C568R.
Identifiers: ClinVar variation 3611720 (VCV003611720.2).